The following is an entry in ClinVar:

ClinVar aggregate classification (germline): Uncertain significance (1 of 4 stars; one submission).

gnomAD v4.1: 1 of 1,610,092 alleles (0.000062%); highest among the groups gnomAD compares: South Asian, 0.0011%; no homozygotes.

Submission:

Ambry Genetics
Classification: Uncertain significance. Last evaluated: 2026-08-27. Review status: criteria provided, single submitter. Criteria: Ambry Variant Classification Scheme 2023. Collection method: clinical testing. Allele origin: germline.
Comment: The p.G1155V variant (also known as c.3464G>T), located in coding exon 14 of the WNK2 gene, results from a G to T substitution at nucleotide position 3464. The glycine at codon 1155 is replaced by valine, an amino acid with dissimilar properties. This amino acid position is conserved. In addition, the in silico prediction for this alteration is inconclusive. Based on the available evidence, the clinical significance of this variant remains unclear.

NM_006648.4(WNK2):c.3464G>T (p.Gly1155Val)

Gene: WNK2 (WNK lysine deficient protein kinase 2; plus strand). Cytogenetic location: 9q22.31.
Variant type: single nucleotide variant.
Coding change: c.3464G>T on transcript NM_006648.4 (MANE Select); coding-DNA position 3464, G replaced by T.
Protein change: p.Gly1155Val; replaces glycine 1155 with valine.
Molecular consequence: missense variant.
Genome position (GRCh38, 1-based): chr9:93,263,619, G>T. VCF-style: chr9-93263619-G-T. GRCh37 (hg19) VCF-style: chr9-96025901-G-T.
Other names: c.3464G>T, p.Gly1155Val (NM_001282394.3); short protein forms G1155V.
Identifiers: ClinVar variation 5031954 (VCV005031954.1).
Genomic context (GRCh38, chr9:93,263,619, plus strand): 5'-TGCTCAGCTATGGAGGTTCTGATGTCACTTCTGGAAAAGAGCTGAGTGACAGCTGTGAAG[G>T]CGCCTTTGGAGGGGGCAGGCTGGAGGGCAGGGCAGCCCGAAAACACCACCGCAGGTCCAC-3'
Protein context (NP_006639.3, residues 1145-1165): SGKELSDSCE[Gly1155Val]AFGGGRLEGR